The following is an entry in ClinVar:

ClinVar aggregate classification (germline): Uncertain significance (1 of 4 stars; one submission).

Conditions:
Familial cancer of breast. Also called: BREAST CANCER, FAMILIAL; Hereditary breast cancer; hereditary breast carcinoma. Identifiers: Orphanet 227535, MedGen C0346153, MONDO:0016419, OMIM 114480. Disease mechanism: loss of function.

gnomAD v4.1: 1 of 1,614,180 alleles (0.000062%); highest among the groups gnomAD compares: South Asian, 0.0011%; no homozygotes.

Submission:

Labcorp Genetics (formerly Invitae), Labcorp
Classification: Uncertain significance for Familial cancer of breast. Last evaluated: 2025-02-04. Review status: criteria provided, single submitter. Criteria: Invitae Variant Classification Sherloc (09022015). Collection method: clinical testing. Allele origin: germline.
Comment: This sequence change replaces leucine, which is neutral and non-polar, with phenylalanine, which is neutral and non-polar, at codon 481 of the PALB2 protein (p.Leu481Phe). This variant is not present in population databases (gnomAD no frequency). This variant has not been reported in the literature in individuals affected with PALB2-related conditions. Invitae Evidence Modeling of protein sequence and biophysical properties (such as structural, functional, and spatial information, amino acid conservation, physicochemical variation, residue mobility, and thermodynamic stability) indicates that this missense variant is not expected to disrupt PALB2 protein function with a negative predictive value of 80%. In summary, the available evidence is currently insufficient to determine the role of this variant in disease. Therefore, it has been classified as a Variant of Uncertain Significance.

NM_024675.4(PALB2):c.1441C>T (p.Leu481Phe)

Gene: PALB2 (partner and localizer of BRCA2; minus strand). Cytogenetic location: 16p12.2.
Variant type: single nucleotide variant.
Coding change: c.1441C>T on transcript NM_024675.4 (MANE Select); coding-DNA position 1441, C replaced by T.
Protein change: p.Leu481Phe; replaces leucine 481 with phenylalanine.
Molecular consequence: missense variant. On other transcripts: intron variant (3).
Genome position (GRCh38, 1-based): chr16:23,635,105, G>A on the plus strand (C>T on the coding strand, the complement: PALB2 is on the minus strand). VCF-style: chr16-23635105-G-A. GRCh37 (hg19) VCF-style: chr16-23646426-G-A.
Other names: c.1381C>T, p.Leu461Phe (NM_001407296.1); c.1441C>T, p.Leu481Phe (NM_001407297.1, NM_001407298.1, NM_001407299.1 and 3 more transcripts); c.556C>T, p.Leu186Phe (NM_001407304.1, NM_001407305.1, NM_001407306.1 and 5 more transcripts); c.49-5830C>T (NM_001407314.1); c.-104-4636C>T (NM_001407313.1, NM_001407312.1); short protein forms L186F, L461F, L481F.
Identifiers: ClinVar variation 4744760 (VCV004744760.1).
Genomic context (GRCh38, chr16:23,635,105, plus strand): 5'-TAGACAAGTCATTATCTTCAGTGGGCCCAGCGGGAGAGCTGACTTTAGTTAATGAGAGAA[G>A]TTTCTGAGAGGTTCTTGAACTTGGTTGTCCTGTGCATGTGCCAGACATCCTAATTTCACT-3'
Protein context (NP_078951.2, residues 471-491): GQPSSRTSQK[Leu481Phe]LSLTKVSSPA